The following is an entry in ClinVar:

NM_001080467.3(MYO5B):c.1856C>T (p.Pro619Leu)

Gene: MYO5B (myosin VB; minus strand). Cytogenetic location: 18q21.1.
Variant type: single nucleotide variant.
Coding change: c.1856C>T on transcript NM_001080467.3 (MANE Select); coding-DNA position 1856, C replaced by T.
Protein change: p.Pro619Leu; replaces proline 619 with leucine.
Molecular consequence: missense variant.
Genome position (GRCh38, 1-based): chr18:49,937,294, G>A on the plus strand (C>T on the coding strand, the complement: MYO5B is on the minus strand). VCF-style: chr18-49937294-G-A. GRCh37 (hg19) VCF-style: chr18-47463664-G-A.
Other names: short protein forms P619L.
Identifiers: ClinVar variation 1510452 (VCV001510452.8), dbSNP rs745884966, ClinGen allele CA8961349.

ClinVar aggregate classification (germline): Uncertain significance (1 of 4 stars; one submission).

Allele frequency attached by ClinVar (database versions not stated): gnomAD exomes below 0.00001; ExAC 0.00001; gnomAD 0.00001; TOPMed 0.00001.
gnomAD v4.1: 7 of 1,614,024 alleles (0.00043%); highest among the groups gnomAD compares: Non-Finnish European, 0.00059%; no homozygotes.

Submission:

Labcorp Genetics (formerly Invitae), Labcorp
Classification: Uncertain significance. Last evaluated: 2021-07-22. Review status: criteria provided, single submitter. Criteria: Invitae Variant Classification Sherloc (09022015). Collection method: clinical testing. Allele origin: germline.
Comment: In summary, the available evidence is currently insufficient to determine the role of this variant in disease. Therefore, it has been classified as a Variant of Uncertain Significance. Algorithms developed to predict the effect of missense changes on protein structure and function are either unavailable or do not agree on the potential impact of this missense change (SIFT: "Deleterious"; PolyPhen-2: "Benign"; Align-GVGD: "Class C0"). This variant has been observed in individual(s) with clinical features of microvillus inclusion disease (PMID: 24014347). This variant is present in population databases (rs745884966, ExAC 0.001%). This sequence change replaces proline with leucine at codon 619 of the MYO5B protein (p.Pro619Leu). The proline residue is highly conserved and there is a moderate physicochemical difference between proline and leucine.

Literature cited by the submitters: PubMed 24014347.